The following is an entry in ClinVar:

NM_052813.5(CARD9):c.1434T>C (p.His478=)

Gene: CARD9 (caspase recruitment domain family member 9; minus strand). Cytogenetic location: 9q34.3.
Variant type: single nucleotide variant.
Coding change: c.1434T>C on transcript NM_052813.5 (MANE Select); coding-DNA position 1434, T replaced by C.
Protein change: p.His478=; no amino-acid change (histidine 478 retained).
Molecular consequence: synonymous variant.
Genome position (GRCh38, 1-based): chr9:136,365,141, A>G on the plus strand (T>C on the coding strand, the complement: CARD9 is on the minus strand). VCF-style: chr9-136365141-A-G. GRCh37 (hg19) VCF-style: chr9-139259593-A-G.
Other names: c.1434T>C, p.His478= (NM_052814.4).
Identifiers: ClinVar variation 1054703 (VCV001054703.7), dbSNP rs150480370, ClinGen allele CA5332641.

ClinVar aggregate classification (germline): Conflicting classifications of pathogenicity. Review status: criteria provided, conflicting classifications (1 of 4 stars). 2 submissions from 2 submitters: Uncertain significance (1); Likely benign (1). Last evaluated 2024-10-29.

Conditions:
Predisposition to invasive fungal disease due to CARD9 deficiency (IMD103). Also called: Candidiasis, familial, 2, autosomal recessive; CARD9 IMMUNODEFICIENCY; IMMUNODEFICIENCY 103, SUSCEPTIBILITY TO FUNGAL INFECTIONS. Identifiers: Orphanet 457088, MedGen C1859353, MONDO:0008905, OMIM 212050.

Allele frequency attached by ClinVar (database versions not stated): ExAC 0.00006; gnomAD exomes 0.00009 and 0.00019; ESP Exome Variant Server 0.00015; TOPMed 0.00015.
gnomAD v4.1: 297 of 1,612,056 alleles (0.018%); highest among the groups gnomAD compares: Non-Finnish European, 0.024%; no homozygotes.

Submissions (3):

Labcorp Genetics (formerly Invitae), Labcorp
Classification: Uncertain significance for Predisposition to invasive fungal disease due to CARD9 deficiency. Last evaluated: 2024-10-29. Review status: criteria provided, single submitter. Criteria: Invitae Variant Classification Sherloc (09022015). Collection method: clinical testing. Allele origin: germline.
Comment: This sequence change affects codon 478 of the CARD9 mRNA. It is a 'silent' change, meaning that it does not change the encoded amino acid sequence of the CARD9 protein. It affects a nucleotide within the consensus splice site. This variant is present in population databases (rs150480370, gnomAD 0.02%). This variant has not been reported in the literature in individuals affected with CARD9-related conditions. ClinVar contains an entry for this variant (Variation ID: 1054703). Algorithms developed to predict the effect of sequence changes on RNA splicing suggest that this variant is not likely to affect RNA splicing. In summary, the available evidence is currently insufficient to determine the role of this variant in disease. Therefore, it has been classified as a Variant of Uncertain Significance.

Blueprint Genetics
Classification: Likely benign. Last evaluated: 2022-01-26. Review status: criteria provided, single submitter. Criteria: ACMG Guidelines, 2015. Collection method: clinical testing. Allele origin: germline.

Dr. Peter K. Rogan Lab, Western University
No classification provided (evidence only). Condition: Thyroid cancer, nonmedullary, 1. Review status: no classification provided. Collection method: in vitro. Allele origin: not applicable. Functional consequence: retained intron. Not counted in ClinVar's aggregate classification.